The following is an entry in ClinVar:

ClinVar aggregate classification (germline): Benign/Likely benign. Review status: criteria provided, multiple submitters, no conflicts (2 of 4 stars). 2 submissions from 2 submitters: Benign (1); Likely benign (1). Last evaluated 2025-05-28.

Conditions:
Tuberous sclerosis 2 (TSC2). Identifiers: Orphanet 805, MedGen C1860707, MONDO:0013199, OMIM 613254.
Hereditary cancer-predisposing syndrome. Also called: Neoplastic Syndromes, Hereditary; Tumor predisposition; Hereditary Cancer Syndrome; Hereditary neoplastic syndrome. Identifiers: Orphanet 140162, MedGen C0027672, MeSH D009386, MONDO:0015356.

Submissions (2):

Myriad Genetics, Inc.
Classification: Benign for Tuberous sclerosis 2. Last evaluated: 2025-05-28. Review status: criteria provided, single submitter. Criteria: Myriad Autosomal Dominant, Autosomal Recessive and X-Linked Classification Criteria (2023). Collection method: clinical testing. Allele origin: unknown.
Comment: This variant is considered benign. This variant is a silent/synonymous amino acid change and it is not expected to impact splicing.

Ambry Genetics
Classification: Likely benign for Hereditary cancer-predisposing syndrome. Last evaluated: 2021-12-29. Review status: criteria provided, single submitter. Criteria: Ambry Variant Classification Scheme 2023. Collection method: clinical testing. Allele origin: germline.

NM_000548.5(TSC2):c.3309A>G (p.Arg1103=)

Gene: TSC2 (TSC complex subunit 2; plus strand). Cytogenetic location: 16p13.3.
Variant type: single nucleotide variant.
Coding change: c.3309A>G on transcript NM_000548.5 (MANE Select); coding-DNA position 3309, A replaced by G.
Protein change: p.Arg1103=; no amino-acid change (arginine 1103 retained).
Molecular consequence: synonymous variant. On other transcripts: non-coding transcript variant (5).
Genome position (GRCh38, 1-based): chr16:2,079,581, A>G. VCF-style: chr16-2079581-A-G. GRCh37 (hg19) VCF-style: chr16-2129582-A-G.
Other names: c.3177A>G, p.Arg1059= (NM_001077183.3, NM_001370404.1, NM_001406665.1); c.3309A>G, p.Arg1103= (NM_001114382.3); c.3069A>G, p.Arg1023= (NM_001318827.2); c.3033A>G, p.Arg1011= (NM_001318829.2); c.2577A>G, p.Arg859= (NM_001318831.2, NM_001406687.1, NM_001406688.1); c.3210A>G, p.Arg1070= (NM_001318832.2); c.3180A>G, p.Arg1060= (NM_001363528.2, NM_001370405.1, NM_021055.3); c.3306A>G, p.Arg1102= (NM_001406663.1, NM_001406664.1); and 18 more.
Identifiers: ClinVar variation 1730039 (VCV001730039.3), dbSNP rs2544066235, ClinGen allele CA492955240.
Genomic context (GRCh38, chr16:2,079,581, plus strand): 5'-ACTAAGTCCACCCTGTGCGTGGGATTCTCTTCTCAGCTCCAGCCCCGGGGTGCATGTGAG[A>G]CAGACCAAGGAGGCGCCGGCCAAGCTGGAGTCCCAGGCTGGGCAGCAGGTGTCCCGTGGG-3'
Protein context (NP_000539.2, residues 1093-1113): ESSSSPGVHV[Arg1103=]QTKEAPAKLE